The following is an entry in ClinVar:

NM_001203.3(BMPR1B):c.253C>G (p.Pro85Ala)

Gene: BMPR1B (bone morphogenetic protein receptor type 1B; plus strand). Cytogenetic location: 4q22.3.
Variant type: single nucleotide variant.
Coding change: c.253C>G on transcript NM_001203.3 (MANE Select); coding-DNA position 253, C replaced by G.
Protein change: p.Pro85Ala; replaces proline 85 with alanine.
Molecular consequence: missense variant.
Genome position (GRCh38, 1-based): chr4:95,115,691, C>G. VCF-style: chr4-95115691-C-G. GRCh37 (hg19) VCF-style: chr4-96036842-C-G.
Other names: c.253C>G, p.Pro85Ala (NM_001256792.2, NM_001256794.1); c.343C>G, p.Pro115Ala (NM_001256793.2); short protein forms P85A, P115A.
Identifiers: ClinVar variation 4790390 (VCV004790390.1).
Genomic context (GRCh38, chr4:95,115,691, plus strand): 5'-TTGACTTTGAAATTTGGAAGAAACTCACTAATAGCTGTTTGGGTTCGATTATAGGACACT[C>G]CCATTCCTCATCAAAGAAGATCAATTGAATGCTGCACAGAAAGGAACGAATGTAATAAAG-3'
Protein context (NP_001194.1, residues 75-95): EGSDFQCRDT[Pro85Ala]IPHQRRSIEC

ClinVar aggregate classification (germline): Uncertain significance (1 of 4 stars; one submission).

Conditions:
Acromesomelic dysplasia 3 (AMD3). Also called: Acromesomelic dysplasia, Demirhan type; CHONDRODYSPLASIA, ACROMESOMELIC, WITH OR WITHOUT GENITAL ANOMALIES. Identifiers: MedGen C4225404, MONDO:0012274, OMIM 609441.
Type A2 brachydactyly (BDA2). Also called: BRACHYMESOPHALANGY II; MOHR-WRIEDT TYPE BRACHYDACTYLY; Brachymesophalangy type 2. Identifiers: Orphanet 93396, MedGen C1832702, MONDO:0007216, OMIM 112600, HP:0009372.

Submission:

Labcorp Genetics (formerly Invitae), Labcorp
Classification: Uncertain significance for Type A2 brachydactyly; Acromesomelic dysplasia 3. Last evaluated: 2025-04-02. Review status: criteria provided, single submitter. Criteria: Invitae Variant Classification Sherloc (09022015). Collection method: clinical testing. Allele origin: germline.
Comment: This sequence change replaces proline, which is neutral and non-polar, with alanine, which is neutral and non-polar, at codon 85 of the BMPR1B protein (p.Pro85Ala). This variant is not present in population databases (gnomAD no frequency). This variant has not been reported in the literature in individuals affected with BMPR1B-related conditions. Invitae Evidence Modeling of protein sequence and biophysical properties (such as structural, functional, and spatial information, amino acid conservation, physicochemical variation, residue mobility, and thermodynamic stability) indicates that this missense variant is not expected to disrupt BMPR1B protein function with a negative predictive value of 80%. In summary, the available evidence is currently insufficient to determine the role of this variant in disease. Therefore, it has been classified as a Variant of Uncertain Significance.